The following is an entry in ClinVar:

NM_001080442.3(SLC38A8):c.932C>T (p.Pro311Leu)

Gene: SLC38A8 (solute carrier family 38 member 8; minus strand). Cytogenetic location: 16q23.3.
Variant type: single nucleotide variant.
Coding change: c.932C>T on transcript NM_001080442.3 (MANE Select); coding-DNA position 932, C replaced by T.
Protein change: p.Pro311Leu; replaces proline 311 with leucine.
Molecular consequence: missense variant.
Genome position (GRCh38, 1-based): chr16:84,017,161, G>A on the plus strand (C>T on the coding strand, the complement: SLC38A8 is on the minus strand). VCF-style: chr16-84017161-G-A. GRCh37 (hg19) VCF-style: chr16-84050766-G-A.
Other names: short protein forms P311L.
Identifiers: ClinVar variation 4796483 (VCV004796483.1).

ClinVar aggregate classification (germline): Likely pathogenic (1 of 4 stars; one submission).

Conditions:
Isolated foveal hypoplasia. Identifiers: Orphanet 519398, MedGen C1850993, MONDO:0034978.

gnomAD v4.1: 9 of 1,613,966 alleles (0.00056%); highest among the groups gnomAD compares: African/African-American, 0.0013%; no homozygotes.

Submission:

Genetics Department, University Hospital of Toulouse
Classification: Likely pathogenic for Isolated foveal hypoplasia. Last evaluated: 2025-10-05. Review status: criteria provided, single submitter. Criteria: ACMG Guidelines, 2015. Collection method: clinical testing. Allele origin: paternal. Affected: yes.
Comment: The variant NM_001080442.3:c.932C>T p.(Pro311Leu) was found in trans of the variant NM_001080442.3:c.682G>A p.(Gly228Arg). It is considered likely pathogenic according to ACMG criteria (PM1, PM2, PP1, PP3, PP4).